The following is an entry in ClinVar:

ClinVar aggregate classification (germline): Pathogenic. Review status: criteria provided, multiple submitters, no conflicts (2 of 4 stars). 2 submissions from 2 submitters: Pathogenic (2). Last evaluated 2026-08-19.

Conditions:
Familial cancer of breast. Also called: BREAST CANCER, FAMILIAL; hereditary breast carcinoma; Hereditary breast cancer. Identifiers: Orphanet 227535, MedGen C0346153, MONDO:0016419, OMIM 114480. Disease mechanism: loss of function.
Hereditary cancer-predisposing syndrome. Also called: Hereditary neoplastic syndrome; Hereditary Cancer Syndrome; Neoplastic Syndromes, Hereditary; Tumor predisposition. Identifiers: Orphanet 140162, MedGen C0027672, MeSH D009386, MONDO:0015356.

Submissions (2):

Ambry Genetics
Classification: Pathogenic for Hereditary cancer-predisposing syndrome. Last evaluated: 2026-08-19. Review status: criteria provided, single submitter. Criteria: Ambry Variant Classification Scheme 2023. Collection method: clinical testing. Allele origin: germline.
Comment: The c.461_464delTCAG pathogenic mutation, located in coding exon 4 of the BARD1 gene, results from a deletion of 4 nucleotides at nucleotide positions 461 to 464, causing a translational frameshift with a predicted alternate stop codon (p.V154Dfs*4). This variant is considered to be rare based on population cohorts in the Genome Aggregation Database (gnomAD). This variant is expected to result in loss of function by premature protein truncation or nonsense-mediated mRNA decay. As such, this variant is interpreted as a disease-causing mutation.

Myriad Genetics, Inc.
Classification: Pathogenic for Familial cancer of breast. Last evaluated: 2023-05-18. Review status: criteria provided, single submitter. Criteria: Myriad Autosomal Dominant, Autosomal Recessive and X-Linked Classification Criteria (2023). Collection method: clinical testing. Allele origin: unknown.
Comment: This variant is considered pathogenic. This variant creates a frameshift predicted to result in premature protein truncation.

NM_000465.4(BARD1):c.461_464del (p.Val154fs)

Gene: BARD1 (BRCA1 associated RING domain 1; minus strand). Cytogenetic location: 2q35.
Variant type: Deletion.
Coding change: c.461_464del on transcript NM_000465.4 (MANE Select); coding-DNA positions 461 to 464, 4 bases deleted (TCAG; older notation c.461_464delTCAG).
Protein change: p.Val154fs; shifts the reading frame from valine 154.
Molecular consequence: frameshift variant. On other transcripts: non-coding transcript variant (2), intron variant (3).
Genome position (GRCh38, 1-based): chr2:214,781,410-214,781,413, CTGA deleted on the plus strand (TCAG on the coding strand, the reverse complement: BARD1 is on the minus strand); deleting any 4 consecutive bases within chr2:214,781,410-214,781,415 gives the same sequence; the c. name uses the placement nearest the transcript's 3' end. VCF-style (leftmost placement, unchanged base first): chr2-214781409-TCTGA-T. GRCh37 (hg19) VCF-style: chr2-215646133-TCTGA-T.
Other names: c.404_407del, p.Val135fs (NM_001282543.2); c.158+27999_158+28002del (NM_001282548.2); c.215+15648_215+15651del (NM_001282545.2); c.364+10884_364+10887del (NM_001282549.2); c.461_464delTCAG (NM_000465.2); short protein forms V135fs, V154fs.
Identifiers: ClinVar variation 2583578 (VCV002583578.3), dbSNP rs2469513098, ClinGen allele CA2582342112.